The following is an entry in ClinVar:

ClinVar aggregate classification (germline): Uncertain significance (1 of 4 stars; one submission).

Conditions:
Nemaline myopathy 7 (NEM7). Also called: Nemaline myopathy 7, autosomal recessive. Identifiers: Orphanet 171436, MedGen C1853154, MONDO:0012538, OMIM 610687.

Submission:

Labcorp Genetics (formerly Invitae), Labcorp
Classification: Uncertain significance for Nemaline myopathy 7. Last evaluated: 2018-07-26. Review status: criteria provided, single submitter. Criteria: Invitae Variant Classification Sherloc (09022015). Collection method: clinical testing. Allele origin: germline.
Comment: This variant, c.474_476delAGT, results in the deletion of 1 amino acid(s) of the CFL2 protein (p.Val159del), but otherwise preserves the integrity of the reading frame. This variant is not present in population databases (ExAC no frequency). This variant has not been reported in the literature in individuals with CFL2-related disease. Experimental studies and prediction algorithms are not available for this variant, and the functional significance of the deleted amino acid is currently unknown. In summary, the available evidence is currently insufficient to determine the role of this variant in disease. Therefore, it has been classified as a Variant of Uncertain Significance.

NM_138638.5(CFL2):c.471AGT[1] (p.Val159del)

Gene: CFL2 (cofilin 2; minus strand). Cytogenetic location: 14q13.1.
Variant type: Microsatellite.
Coding change: c.471AGT[1] on transcript NM_138638.5 (MANE Select); one copy of the 3-base unit AGT starting at c.471; the reference has two copies in a row; one copy, 3 bases deleted.
Protein change: p.Val159del; deletes valine 159.
Molecular consequence: inframe deletion. On other transcripts: non-coding transcript variant (2).
Genome position (GRCh38, 1-based): chr14:34,712,890-34,712,892, ACT deleted on the plus strand (AGT on the coding strand, the reverse complement: CFL2 is on the minus strand); deleting any 3 consecutive bases within chr14:34,712,890-34,712,897 gives the same sequence; the position shown is the placement nearest the transcript's 3' end. VCF-style (leftmost placement, unchanged base first): chr14-34712889-AACT-A. GRCh37 (hg19) VCF-style: chr14-35182095-AACT-A.
Other names: c.420AGT[1], p.Val142del (NM_001243645.2); c.471AGT[1], p.Val159del (NM_021914.8); c.474_476delAGT (NM_021914.7); short protein forms V142del, V159del.
Identifiers: ClinVar variation 662117 (VCV000662117.1), dbSNP rs1594784265, ClinGen allele CA915948252.